The following is an entry in ClinVar:

NM_022124.6(CDH23):c.2786T>C (p.Met929Thr)

Gene: CDH23 (cadherin related 23; plus strand). Cytogenetic location: 10q22.1.
Variant type: single nucleotide variant.
Coding change: c.2786T>C on transcript NM_022124.6 (MANE Select); coding-DNA position 2786, T replaced by C.
Protein change: p.Met929Thr; replaces methionine 929 with threonine.
Molecular consequence: missense variant.
Genome position (GRCh38, 1-based): chr10:71,704,963, T>C. VCF-style: chr10-71704963-T-C. GRCh37 (hg19) VCF-style: chr10-73464720-T-C.
Other names: c.2786T>C, p.Met929Thr (NM_001171930.2, NM_001171931.2); c.2786T>C (NM_022124.5); short protein forms M929T.
Identifiers: ClinVar variation 1025533 (VCV001025533.9), dbSNP rs1298382473, ClinGen allele CA377139534.

ClinVar aggregate classification (germline): Uncertain significance. Review status: criteria provided, multiple submitters, no conflicts (2 of 4 stars). 2 submissions from 2 submitters: Uncertain significance (2). Last evaluated 2025-09-05.

Conditions:
Inborn genetic diseases. Identifiers: MedGen C0950123, MeSH D030342.

gnomAD v4.1: 4 of 1,612,908 alleles (0.00025%); highest among the groups gnomAD compares: African/African-American, 0.004%; no homozygotes.

Submissions (2):

Ambry Genetics
Classification: Uncertain significance for Inborn genetic diseases. Last evaluated: 2025-09-05. Review status: criteria provided, single submitter. Criteria: Ambry Variant Classification Scheme 2023. Collection method: clinical testing. Allele origin: germline.

Labcorp Genetics (formerly Invitae), Labcorp
Classification: Uncertain significance. Last evaluated: 2022-11-22. Review status: criteria provided, single submitter. Criteria: Invitae Variant Classification Sherloc (09022015). Collection method: clinical testing. Allele origin: germline.
Comment: This sequence change replaces methionine, which is neutral and non-polar, with threonine, which is neutral and polar, at codon 929 of the CDH23 protein (p.Met929Thr). This variant is not present in population databases (gnomAD no frequency). This variant has not been reported in the literature in individuals affected with CDH23-related conditions. ClinVar contains an entry for this variant (Variation ID: 1025533). Advanced modeling of protein sequence and biophysical properties (such as structural, functional, and spatial information, amino acid conservation, physicochemical variation, residue mobility, and thermodynamic stability) performed at Invitae indicates that this missense variant is not expected to disrupt CDH23 protein function. In summary, the available evidence is currently insufficient to determine the role of this variant in disease. Therefore, it has been classified as a Variant of Uncertain Significance.